The following is an entry in ClinVar:

ClinVar aggregate classification (germline): Uncertain significance (1 of 4 stars; one submission).

Submission:

Labcorp Genetics (formerly Invitae), Labcorp
Classification: Uncertain significance. Last evaluated: 2022-07-25. Review status: criteria provided, single submitter. Criteria: Invitae Variant Classification Sherloc (09022015). Collection method: clinical testing. Allele origin: germline.
Comment: This sequence change replaces glycine, which is neutral and non-polar, with arginine, which is basic and polar, at codon 1845 of the PCDH15 protein (p.Gly1845Arg). This variant is not present in population databases (gnomAD no frequency). This variant has not been reported in the literature in individuals affected with PCDH15-related conditions. Algorithms developed to predict the effect of missense changes on protein structure and function are either unavailable or do not agree on the potential impact of this missense change (SIFT: "Tolerated"; PolyPhen-2: "Not Available"; Align-GVGD: "Class C0"). In summary, the available evidence is currently insufficient to determine the role of this variant in disease. Therefore, it has been classified as a Variant of Uncertain Significance.

NM_033056.4(PCDH15):c.5533G>C (p.Gly1845Arg)

Gene: PCDH15 (protocadherin related 15; minus strand). Cytogenetic location: 10q21.1.
Variant type: single nucleotide variant.
Coding change: c.5533G>C on transcript NM_033056.4 (MANE Plus Clinical); coding-DNA position 5533, G replaced by C.
Protein change: p.Gly1845Arg; replaces glycine 1845 with arginine.
Molecular consequence: missense variant. On other transcripts: intron variant (8).
Genome position (GRCh38, 1-based): chr10:53,822,193, C>G on the plus strand (G>C on the coding strand, the complement: PCDH15 is on the minus strand). VCF-style: chr10-53822193-C-G. GRCh37 (hg19) VCF-style: chr10-55581953-C-G.
Other names: c.5554G>C, p.Gly1852Arg (NM_001142763.2); c.5539G>C, p.Gly1847Arg (NM_001142764.2); c.5326G>C, p.Gly1776Arg (NM_001142765.2); c.5524G>C, p.Gly1842Arg (NM_001142766.2); c.5413G>C, p.Gly1805Arg (NM_001142767.2); c.5473G>C, p.Gly1825Arg (NM_001142768.2); c.5464G>C, p.Gly1822Arg (NM_001142773.2); c.5467G>C, p.Gly1823Arg (NM_001354404.2); and 7 more; short protein forms G1825R, G1845R, G1847R, G1842R, G1823R, G1852R, G1776R, G1805R.
Identifiers: ClinVar variation 2099327 (VCV002099327.3), dbSNP rs2492350215, ClinGen allele CA376524769.